The following is an entry in ClinVar:

ClinVar aggregate classification (germline): Uncertain significance. Review status: criteria provided, multiple submitters, no conflicts (2 of 4 stars). 2 submissions from 2 submitters: Uncertain significance (2). Last evaluated 2023-03-27.

Allele frequency attached by ClinVar (database versions not stated): gnomAD 0.00001; 1000 Genomes Project 30x 0.00016; 1000 Genomes Project 0.00020.

Submissions (2):

Blueprint Genetics
Classification: Uncertain significance. Last evaluated: 2023-03-27. Review status: criteria provided, single submitter. Criteria: ACMG Guidelines, 2015. Collection method: clinical testing. Allele origin: germline.

Labcorp Genetics (formerly Invitae), Labcorp
Classification: Uncertain significance. Last evaluated: 2022-06-05. Review status: criteria provided, single submitter. Criteria: Invitae Variant Classification Sherloc (09022015). Collection method: clinical testing. Allele origin: germline.
Comment: This sequence change replaces arginine, which is basic and polar, with cysteine, which is neutral and slightly polar, at codon 698 of the RBP3 protein (p.Arg698Cys). This variant is present in population databases (rs374030818, gnomAD 0.03%). This variant has not been reported in the literature in individuals affected with RBP3-related conditions. ClinVar contains an entry for this variant (Variation ID: 1369724). Algorithms developed to predict the effect of missense changes on protein structure and function are either unavailable or do not agree on the potential impact of this missense change (SIFT: "Deleterious"; PolyPhen-2: "Possibly Damaging"; Align-GVGD: "Class C0"). In summary, the available evidence is currently insufficient to determine the role of this variant in disease. Therefore, it has been classified as a Variant of Uncertain Significance.

NM_002900.3(RBP3):c.2092C>T (p.Arg698Cys)

Gene: RBP3 (retinol binding protein 3; plus strand). Cytogenetic location: 10q11.22.
Variant type: single nucleotide variant.
Coding change: c.2092C>T on transcript NM_002900.3 (MANE Select); coding-DNA position 2092, C replaced by T.
Protein change: p.Arg698Cys; replaces arginine 698 with cysteine.
Molecular consequence: missense variant.
Genome position (GRCh38, 1-based): chr10:47,350,576, C>T. VCF-style: chr10-47350576-C-T. GRCh37 (hg19) VCF-style: chr10-48388786-G-A.
Other names: short protein forms R698C.
Identifiers: ClinVar variation 1369724 (VCV001369724.4), dbSNP rs374030818, ClinGen allele CA5487364.
Genomic context (GRCh38, chr10:47,350,576, plus strand): 5'-GACTTGGAGTCTCTGGCCTCTCAGCTCACAGCAGACCTCCAGGAGGTGTCTGGGGACCAC[C>T]GCTTGCTAGTGTTCCACAGCCCTGGCGAGCTGGTGGTAGAGGAAGCACCCCCACCACCCC-3'
Protein context (NP_002891.1, residues 688-708): ADLQEVSGDH[Arg698Cys]LLVFHSPGEL